The following is an entry in ClinVar:

NM_153026.3(PRICKLE1):c.1225G>A (p.Ala409Thr)

Genes: PRICKLE1 (prickle planar cell polarity protein 1; minus strand), LOC126861509 (BRD4-independent group 4 enhancer GRCh37_chr12:42858567-42859766; plus strand). Cytogenetic location: 12q12.
Variant type: single nucleotide variant.
Coding change: c.1225G>A on transcript NM_153026.3 (MANE Select); coding-DNA position 1225, G replaced by A.
Protein change: p.Ala409Thr; replaces alanine 409 with threonine.
Molecular consequence: missense variant.
Genome position (GRCh38, 1-based): chr12:42,464,809, C>T on the plus strand (G>A on the coding strand, the complement: PRICKLE1 is on the minus strand). VCF-style: chr12-42464809-C-T. GRCh37 (hg19) VCF-style: chr12-42858611-C-T.
Other names: c.1225G>A, p.Ala409Thr (NM_001144881.2, NM_001144882.2, NM_001144883.2); short protein forms A409T.
Identifiers: ClinVar variation 308705 (VCV000308705.8), dbSNP rs774422189, ClinGen allele CA6519785.

ClinVar aggregate classification (germline): Uncertain significance (1 of 4 stars; one submission).

Conditions:
Epilepsy, progressive myoclonic, 1B. Also called: PME. Identifiers: Orphanet 308, MedGen C2676254, MONDO:0012904, OMIM 612437.

Allele frequency attached by ClinVar (database versions not stated): ExAC 0.00001; gnomAD 0.00001; TOPMed 0.00002; gnomAD exomes 0.00001.
gnomAD v4.1: 23 of 1,613,922 alleles (0.0014%); highest among the groups gnomAD compares: Non-Finnish European, 0.0019%; no homozygotes.

Submission:

Labcorp Genetics (formerly Invitae), Labcorp
Classification: Uncertain significance for Epilepsy, progressive myoclonic, 1B. Last evaluated: 2021-10-05. Review status: criteria provided, single submitter. Criteria: Invitae Variant Classification Sherloc (09022015). Collection method: clinical testing. Allele origin: germline.
Comment: In summary, the available evidence is currently insufficient to determine the role of this variant in disease. Therefore, it has been classified as a Variant of Uncertain Significance. Algorithms developed to predict the effect of missense changes on protein structure and function are either unavailable or do not agree on the potential impact of this missense change (SIFT: "Deleterious"; PolyPhen-2: "Probably Damaging"; Align-GVGD: "Class C0"). This variant has not been reported in the literature in individuals affected with PRICKLE1-related conditions. This variant is present in population databases (rs774422189, ExAC 0.001%). This sequence change replaces alanine with threonine at codon 409 of the PRICKLE1 protein (p.Ala409Thr). The alanine residue is highly conserved and there is a small physicochemical difference between alanine and threonine.